The following is an entry in ClinVar:

ClinVar aggregate classification (germline): Uncertain significance (1 of 4 stars; one submission).

Allele frequency attached by ClinVar (database versions not stated): gnomAD exomes 0.00001.
gnomAD v4.1: 9 of 1,614,122 alleles (0.00056%); highest among the groups gnomAD compares: Non-Finnish European, 0.00076%; no homozygotes.

Submission:

Labcorp Genetics (formerly Invitae), Labcorp
Classification: Uncertain significance. Last evaluated: 2023-09-28. Review status: criteria provided, single submitter. Criteria: Invitae Variant Classification Sherloc (09022015). Collection method: clinical testing. Allele origin: germline.
Comment: This sequence change replaces glutamic acid, which is acidic and polar, with lysine, which is basic and polar, at codon 233 of the SNRNP200 protein (p.Glu233Lys). This variant is not present in population databases (gnomAD no frequency). This variant has not been reported in the literature in individuals affected with SNRNP200-related conditions. Advanced modeling of protein sequence and biophysical properties (such as structural, functional, and spatial information, amino acid conservation, physicochemical variation, residue mobility, and thermodynamic stability) has been performed at Invitae for this missense variant, however the output from this modeling did not meet the statistical confidence thresholds required to predict the impact of this variant on SNRNP200 protein function. In summary, the available evidence is currently insufficient to determine the role of this variant in disease. Therefore, it has been classified as a Variant of Uncertain Significance.

NM_014014.5(SNRNP200):c.697G>A (p.Glu233Lys)

Gene: SNRNP200 (small nuclear ribonucleoprotein U5 subunit 200; minus strand). Cytogenetic location: 2q11.2.
Variant type: single nucleotide variant.
Coding change: c.697G>A on transcript NM_014014.5 (MANE Select); coding-DNA position 697, G replaced by A.
Protein change: p.Glu233Lys; replaces glutamic acid 233 with lysine.
Molecular consequence: missense variant.
Genome position (GRCh38, 1-based): chr2:96,299,361, C>T on the plus strand (G>A on the coding strand, the complement: SNRNP200 is on the minus strand). VCF-style: chr2-96299361-C-T. GRCh37 (hg19) VCF-style: chr2-96965099-C-T.
Other names: short protein forms E233K.
Identifiers: ClinVar variation 2787051 (VCV002787051.3), dbSNP rs2467353376, ClinGen allele CA347685912.